The following is an entry in ClinVar:

ClinVar aggregate classification (germline): Uncertain significance (1 of 4 stars; one submission).

gnomAD v4.1: 1 of 1,608,102 alleles (0.000062%); highest among the groups gnomAD compares: Non-Finnish European, 0.000085%; no homozygotes.

Submission:

Labcorp Genetics (formerly Invitae), Labcorp
Classification: Uncertain significance. Last evaluated: 2024-10-05. Review status: criteria provided, single submitter. Criteria: Invitae Variant Classification Sherloc (09022015). Collection method: clinical testing. Allele origin: germline.
Comment: This sequence change replaces glutamine, which is neutral and polar, with histidine, which is basic and polar, at codon 305 of the PPP1CB protein (p.Gln305His). This variant is not present in population databases (gnomAD no frequency). This variant has not been reported in the literature in individuals affected with PPP1CB-related conditions. An algorithm developed to predict the effect of missense changes on protein structure and function (PolyPhen-2) suggests that this variant is likely to be tolerated. In summary, the available evidence is currently insufficient to determine the role of this variant in disease. Therefore, it has been classified as a Variant of Uncertain Significance.

NM_002709.3(PPP1CB):c.915G>C (p.Gln305His)

Gene: PPP1CB (protein phosphatase 1 catalytic subunit beta; plus strand). Cytogenetic location: 2p23.2.
Variant type: single nucleotide variant.
Coding change: c.915G>C on transcript NM_002709.3 (MANE Select); coding-DNA position 915, G replaced by C.
Protein change: p.Gln305His; replaces glutamine 305 with histidine.
Molecular consequence: missense variant.
Genome position (GRCh38, 1-based): chr2:28,799,234, G>C. VCF-style: chr2-28799234-G-C. GRCh37 (hg19) VCF-style: chr2-29022100-G-C.
Other names: c.915G>C, p.Gln305His (NM_206876.2); short protein forms Q305H.
Identifiers: ClinVar variation 3606059 (VCV003606059.2).